The following is an entry in ClinVar:

NM_000492.4(CFTR):c.480_483del (p.Tyr161fs)

Gene: CFTR (CF transmembrane conductance regulator; plus strand). Cytogenetic location: 7q31.2.
Variant type: Deletion.
Coding change: c.480_483del on transcript NM_000492.4 (MANE Select); coding-DNA positions 480 to 483, 4 bases deleted (TTAT; older notation c.480_483delTTAT).
Protein change: p.Tyr161fs; shifts the reading frame from tyrosine 161.
Molecular consequence: frameshift variant.
Genome position (GRCh38, 1-based): chr7:117,531,105-117,531,108, TTAT deleted; deleting any 4 consecutive bases within chr7:117,531,103-117,531,108 gives the same sequence; the c. name uses the placement nearest the transcript's 3' end. VCF-style (leftmost placement, unchanged base first): chr7-117531102-GATTT-G. GRCh37 (hg19) VCF-style: chr7-117171156-GATTT-G.
Other names: short protein forms Y161fs.
Identifiers: ClinVar variation 1725366 (VCV001725366.2), dbSNP rs2485009798, ClinGen allele CA2580076320.
Genomic context (GRCh38, chr7:117,531,102, plus strand): 5'-CCCAGCCATTTTTGGCCTTCATCACATTGGAATGCAGATGAGAATAGCTATGTTTAGTTT[GATTT>G]ATAAGAAGGTAATACTTCCTTGCACAGGCCCCATGGCACATATATTCTGTATCGTACATG-3'

ClinVar aggregate classification (germline): Likely pathogenic (1 of 4 stars; one submission).

Conditions:
Cystic fibrosis (CF). Also called: MUCOVISCIDOSIS. Identifiers: Orphanet 586, MedGen C0010674, MONDO:0009061, OMIM 219700. Disease mechanism: loss of function.

Submission:

Myriad Genetics, Inc.
Classification: Likely pathogenic for Cystic fibrosis. Last evaluated: 2022-03-17. Review status: criteria provided, single submitter. Criteria: Myriad Women's Health Autosomal Recessive and X-Linked Classification Criteria (2021). Collection method: clinical testing. Allele origin: unknown.
Comment: NM_000492.3(CFTR):c.480_483delTTAT(Y161Rfs*4) is expected to be pathogenic in the context of cystic fibrosis. This variant is predicted to lead to an abnormal or absent protein product due to the creation of a premature termination codon in CFTR, a gene where loss-of-function variants are known to be pathogenic. Please note: this variant was assessed in the context of healthy population screening.